The following is an entry in ClinVar:

NM_001110556.2(FLNA):c.1998G>A (p.Ala666=)

Gene: FLNA (filamin A; minus strand). Cytogenetic location: Xq28.
Variant type: single nucleotide variant.
Coding change: c.1998G>A on transcript NM_001110556.2 (MANE Select); coding-DNA position 1998, G replaced by A.
Protein change: p.Ala666=; no amino-acid change (alanine 666 retained).
Molecular consequence: synonymous variant.
Genome position (GRCh38, 1-based): chrX:154,364,550, C>T on the plus strand (G>A on the coding strand, the complement: FLNA is on the minus strand). VCF-style: chrX-154364550-C-T. GRCh37 (hg19) VCF-style: chrX-153592918-C-T.
Other names: p.A666A:GCG>GCA; c.1998G>A, p.Ala666= (NM_001456.4).
Identifiers: ClinVar variation 213439 (VCV000213439.31), dbSNP rs34510365, ClinGen allele CA320142.

ClinVar aggregate classification (germline): Benign/Likely benign. Review status: criteria provided, multiple submitters, no conflicts (2 of 4 stars). 8 submissions from 8 submitters: Benign (6); Likely benign (2). Last evaluated 2026-01-28.

Conditions:
Oto-palato-digital syndrome, type II (OPD2). Also called: FACIOPALATOOSSEOUS SYNDROME; Otopalatodigital Syndrome, Type II; Otopalatodigital Syndrome Type 2 (FLNA-OPD2); OPD II SYNDROME. Identifiers: Orphanet 669, Orphanet 90652, MedGen C1844696, MONDO:0010571, OMIM 304120.
Heterotopia, periventricular, X-linked dominant (PVNH1). Also called: X-linked periventricular heterotopia; PERIVENTRICULAR NODULAR HETEROTOPIA 1; PERIVENTRICULAR NODULAR HETEROTOPIA 4; HETEROTOPIA, PERIVENTRICULAR, 1. Identifiers: Orphanet 2149, Orphanet 82004, MedGen C1848213, MONDO:0010233, OMIM 300049.
Frontometaphyseal dysplasia (FMD1). Identifiers: Orphanet 1826, MedGen C0265293, MONDO:0015942.
Melnick-Needles syndrome (MNS). Also called: Melnick-Needles Syndrome (FLNA-MNS); MELNICK-NEEDLES OSTEODYSPLASTY; OSTEODYSPLASTY OF MELNICK AND NEEDLES. Identifiers: Orphanet 2484, MedGen C0025237, MONDO:0010650, OMIM 309350.
Familial thoracic aortic aneurysm and aortic dissection (TAAD). Also called: Thoracic aortic aneurysms and dissections. Identifiers: Orphanet 91387, MedGen C4707243, MONDO:0019625.

Allele frequency attached by ClinVar (database versions not stated): gnomAD exomes 0.00083; ExAC 0.00099; 1000 Genomes Project 0.00265; gnomAD 0.00293 and 0.00316; TOPMed 0.00351; 1000 Genomes Project 30x 0.00354; ESP Exome Variant Server 0.00481.
gnomAD v4.1: 725 of 1,208,097 alleles (0.06%); highest among the groups gnomAD compares: African/African-American, 1.2%; 2 homozygotes.

Submissions (8):

Labcorp Genetics (formerly Invitae), Labcorp
Classification: Benign for Oto-palato-digital syndrome, type II; Heterotopia, periventricular, X-linked dominant; Frontometaphyseal dysplasia; Melnick-Needles syndrome. Last evaluated: 2026-01-28. Review status: criteria provided, single submitter. Criteria: Invitae Variant Classification Sherloc (09022015). Collection method: clinical testing. Allele origin: germline.

Blueprint Genetics
Classification: Benign. Last evaluated: 2024-11-26. Review status: criteria provided, single submitter. Criteria: ACMG Guidelines, 2015. Collection method: clinical testing. Allele origin: germline.

Women's Health and Genetics/Laboratory Corporation of America, LabCorp
Classification: Benign. Last evaluated: 2023-07-21. Review status: criteria provided, single submitter. Criteria: LabCorp Variant Classification Summary - May 2015. Collection method: clinical testing. Allele origin: germline.

ARUP Laboratories, Molecular Genetics and Genomics, ARUP Laboratories
Classification: Benign. Last evaluated: 2020-08-31. Review status: criteria provided, single submitter. Criteria: ARUP Molecular Germline Variant Investigation Process. Collection method: clinical testing. Allele origin: germline.

Genetic Services Laboratory, University of Chicago
Classification: Likely benign. Last evaluated: 2017-09-21. Review status: criteria provided, single submitter. Criteria: ACMG Guidelines, 2015. Collection method: clinical testing. Allele origin: germline. Affected: no.

Ambry Genetics
Classification: Benign for Familial thoracic aortic aneurysm and aortic dissection. Last evaluated: 2016-04-07. Review status: criteria provided, single submitter. Criteria: Ambry Variant Classification Scheme 2023. Collection method: clinical testing. Allele origin: germline.

GeneDx
Classification: Benign. Last evaluated: 2014-08-14. Review status: criteria provided, single submitter. Criteria: GeneDx Variant Classification (06012015). Collection method: clinical testing. Allele origin: germline. Affected: yes.
Comment: This variant is considered likely benign or benign based on one or more of the following criteria: it is a conservative change, it occurs at a poorly conserved position in the protein, it is predicted to be benign by multiple in silico algorithms, and/or has population frequency not consistent with disease.

Breakthrough Genomics
Classification: Likely benign. Review status: criteria provided, single submitter. Criteria: ACMG Guidelines, 2015. Collection method: not provided. Allele origin: germline. Inheritance: X-linked inheritance. Affected: yes.